The following is an entry in ClinVar:

ClinVar aggregate classification (germline): Benign/Likely benign. Review status: criteria provided, multiple submitters, no conflicts (2 of 4 stars). 5 submissions from 5 submitters: Benign (2); Likely benign (2). 1 of the submissions does not count toward it. Last evaluated 2026-02-04.

Conditions:
Ehlers-Danlos syndrome, dermatosparaxis type. Also called: Ehlers-Danlos syndrome, type VII, autosomal recessive; EDS VIIC; Dermatosparaxis. Identifiers: Orphanet 1901, MedGen C2700425, MONDO:0009161, OMIM 225410.

Allele frequency attached by ClinVar (database versions not stated): gnomAD 0.00045 and 0.00084; gnomAD exomes 0.00064 and 0.00162; TOPMed 0.00082; ExAC 0.00165; 1000 Genomes Project 30x 0.00593; 1000 Genomes Project 0.00659.
gnomAD v4.1: 1,073 of 1,613,124 alleles (0.067%); highest among the groups gnomAD compares: East Asian, 2.1%; 8 homozygotes.

Submissions (5):

Labcorp Genetics (formerly Invitae), Labcorp
Classification: Benign for Ehlers-Danlos syndrome, dermatosparaxis type. Last evaluated: 2026-02-04. Review status: criteria provided, single submitter. Criteria: Invitae Variant Classification Sherloc (09022015). Collection method: clinical testing. Allele origin: germline.

Blueprint Genetics
Classification: Likely benign. Last evaluated: 2024-10-08. Review status: criteria provided, single submitter. Criteria: ACMG Guidelines, 2015. Collection method: clinical testing. Allele origin: germline.

GeneDx
Classification: Likely benign. Last evaluated: 2021-04-21. Review status: criteria provided, single submitter. Criteria: GeneDx Variant Classification Process June 2021. Collection method: clinical testing. Allele origin: germline. Affected: yes.

Illumina Laboratory Services, Illumina
Classification: Benign for Ehlers-Danlos syndrome, dermatosparaxis type. Last evaluated: 2018-01-13. Review status: criteria provided, single submitter. Criteria: ICSL Variant Classification Criteria 13 December 2019. Collection method: clinical testing. Allele origin: germline.
Comment: This variant was observed in the ICSL laboratory as part of a predisposition screen in an ostensibly healthy population. It had not been previously curated by ICSL or reported in the Human Gene Mutation Database (HGMD: prior to June 1st, 2018), and was therefore a candidate for classification through an automated scoring system. Utilizing variant allele frequency, disease prevalence and penetrance estimates, and inheritance mode, an automated score was calculated to assess if this variant is too frequent to cause the disease. Based on the score and internal cut-off values, a variant classified as benign is not then subjected to further curation. The score for this variant resulted in a classification of benign for this disease.

Natera, Inc.
Classification: Benign for Ehlers-Danlos syndrome type VIIC. Last evaluated: 2019-10-22. Review status: no assertion criteria provided. Collection method: clinical testing. Allele origin: germline. Not counted in ClinVar's aggregate classification.

NM_014244.5(ADAMTS2):c.2073C>T (p.Arg691=)

Gene: ADAMTS2 (ADAM metallopeptidase with thrombospondin type 1 motif 2; minus strand). Cytogenetic location: 5q35.3.
Variant type: single nucleotide variant.
Coding change: c.2073C>T on transcript NM_014244.5 (MANE Select); coding-DNA position 2073, C replaced by T.
Protein change: p.Arg691=; no amino-acid change (arginine 691 retained).
Molecular consequence: synonymous variant.
Genome position (GRCh38, 1-based): chr5:179,135,921, G>A on the plus strand (C>T on the coding strand, the complement: ADAMTS2 is on the minus strand). VCF-style: chr5-179135921-G-A. GRCh37 (hg19) VCF-style: chr5-178562922-G-A.
Identifiers: ClinVar variation 353113 (VCV000353113.30), dbSNP rs149391669, ClinGen allele CA3595698.